The following is an entry in ClinVar:

ClinVar aggregate classification (germline): Uncertain significance. Review status: criteria provided, multiple submitters, no conflicts (2 of 4 stars). 2 submissions from 2 submitters: Uncertain significance (2). Last evaluated 2022-02-09.

Conditions:
Polycystic kidney disease, adult type (PKD1). Also called: Polycystic Kidney Disease 1, Autosomal Dominant; Polycystic kidney disease 1; Polycystic kidney disease 1, severe; POLYCYSTIC KIDNEY DISEASE 1 WITH OR WITHOUT POLYCYSTIC LIVER DISEASE; POLYCYSTIC KIDNEY DISEASE, ADULT, TYPE I; Polycystic Kidney, Autosomal Dominant. Identifiers: MedGen C3149841, MONDO:0008263, OMIM 173900.

Allele frequency attached by ClinVar (database versions not stated): gnomAD exomes 0.00001; gnomAD 0.00002 and 0.00003; TOPMed 0.00004; ExAC 0.00005.
gnomAD v4.1: 19 of 1,594,352 alleles (0.0012%); highest among the groups gnomAD compares: East Asian, 0.018%; no homozygotes.

Submissions (2):

Fulgent Genetics
Classification: Uncertain significance for Polycystic kidney disease, adult type. Last evaluated: 2022-02-09. Review status: criteria provided, single submitter. Criteria: ACMG Guidelines, 2015. Collection method: clinical testing. Allele origin: unknown.

GeneDx
Classification: Uncertain significance. Last evaluated: 2020-02-12. Review status: criteria provided, single submitter. Criteria: GeneDx Variant Classification Process June 2021. Collection method: clinical testing. Allele origin: germline. Affected: yes.
Comment: In silico analysis supports that this missense variant does not alter protein structure/function; Has not been previously published as pathogenic or benign to our knowledge

NM_001009944.3(PKD1):c.2489C>T (p.Ala830Val)

Gene: PKD1 (polycystin 1, transient receptor potential channel interacting; minus strand). Cytogenetic location: 16p13.3.
Variant type: single nucleotide variant.
Coding change: c.2489C>T on transcript NM_001009944.3 (MANE Select); coding-DNA position 2489, C replaced by T.
Protein change: p.Ala830Val; replaces alanine 830 with valine.
Molecular consequence: missense variant.
Genome position (GRCh38, 1-based): chr16:2,114,534, G>A on the plus strand (C>T on the coding strand, the complement: PKD1 is on the minus strand). VCF-style: chr16-2114534-G-A. GRCh37 (hg19) VCF-style: chr16-2164535-G-A.
Other names: c.2489C>T, p.Ala830Val (NM_000296.4); short protein forms A830V.
Identifiers: ClinVar variation 1315254 (VCV001315254.3), dbSNP rs775988021, ClinGen allele CA7833200.
Genomic context (GRCh38, chr16:2,114,534, plus strand): 5'-TCCACCTGGAGCACCAAGGCTGAGCCGTTGGTGGGCACGTAGAGGCGGCCGTCGCGGGGG[G>A]CAGGGTAGATGACCCGCAGCCCAGCCACTGGGGAGACCACGTCAAAGCTGCAGGAGAGGT-3'
Protein context (NP_001009944.3, residues 820-840): PVAGLRVIYP[Ala830Val]PRDGRLYVPT